The following is an entry in ClinVar:

ClinVar aggregate classification (germline): Uncertain significance. Review status: criteria provided, multiple submitters, no conflicts (2 of 4 stars). 3 submissions from 3 submitters: Uncertain significance (3). Last evaluated 2026-01-01.

Conditions:
Autosomal recessive limb-girdle muscular dystrophy type 2C (LGMDR5). Also called: MUSCULAR DYSTROPHY, DUCHENNE-LIKE; MUSCULAR DYSTROPHY, LIMB-GIRDLE, AUTOSOMAL RECESSIVE 5. Identifiers: Orphanet 353, MedGen C0410173, MONDO:0009677, OMIM 253700. Disease mechanism: Affects gamma-sarcoglycan and also disrupts the integrity of the entire sarcoglycan complex..

Allele frequency attached by ClinVar (database versions not stated): gnomAD exomes below 0.00001; TOPMed 0.00002; 1000 Genomes Project 30x 0.00031.
gnomAD v4.1: 18 of 1,613,746 alleles (0.0011%); highest among the groups gnomAD compares: African/African-American, 0.0027%; no homozygotes.

Submissions (3):

CeGaT Center for Human Genetics Tuebingen
Classification: Uncertain significance. Last evaluated: 2026-01-01. Review status: criteria provided, single submitter. Criteria: CeGaT Center For Human Genetics Tuebingen Variant Classification Criteria Version 2. Collection method: clinical testing. Allele origin: germline. Affected: yes. Observed: 1 variant allele.
Comment: SGCG: PM2

Labcorp Genetics (formerly Invitae), Labcorp
Classification: Uncertain significance for Autosomal recessive limb-girdle muscular dystrophy type 2C. Last evaluated: 2022-05-15. Review status: criteria provided, single submitter. Criteria: Invitae Variant Classification Sherloc (09022015). Collection method: clinical testing. Allele origin: germline.
Comment: This sequence change replaces aspartic acid, which is acidic and polar, with asparagine, which is neutral and polar, at codon 187 of the SGCG protein (p.Asp187Asn). This variant is present in population databases (no rsID available, gnomAD 0.0009%). This variant has not been reported in the literature in individuals affected with SGCG-related conditions. ClinVar contains an entry for this variant (Variation ID: 281013). Algorithms developed to predict the effect of missense changes on protein structure and function are either unavailable or do not agree on the potential impact of this missense change (SIFT: "Tolerated"; PolyPhen-2: "Possibly Damaging"; Align-GVGD: "Class C0"). In summary, the available evidence is currently insufficient to determine the role of this variant in disease. Therefore, it has been classified as a Variant of Uncertain Significance.

Eurofins Ntd Llc (ga)
Classification: Uncertain significance. Last evaluated: 2015-10-19. Review status: criteria provided, single submitter. Criteria: EGL Classification Definitions 2015. Collection method: clinical testing. Allele origin: germline. Observed: 1 variant allele, 1 heterozygote.

NM_000231.3(SGCG):c.559G>A (p.Asp187Asn)

Gene: SGCG (sarcoglycan gamma; plus strand). Cytogenetic location: 13q12.12.
Variant type: single nucleotide variant.
Coding change: c.559G>A on transcript NM_000231.3 (MANE Select); coding-DNA position 559, G replaced by A.
Protein change: p.Asp187Asn; replaces aspartic acid 187 with asparagine.
Molecular consequence: missense variant.
Genome position (GRCh38, 1-based): chr13:23,295,468, G>A. VCF-style: chr13-23295468-G-A. GRCh37 (hg19) VCF-style: chr13-23869607-G-A.
Other names: c.613G>A, p.Asp205Asn (NM_001378244.1); c.559G>A, p.Asp187Asn (NM_001378245.1, NM_001378246.1); short protein forms D187N, D205N.
Identifiers: ClinVar variation 281013 (VCV000281013.10), dbSNP rs886042075, ClinGen allele CA10603781.
Genomic context (GRCh38, chr13:23,295,468, plus strand): 5'-TGTTTAGGGCCTGAAGGGGCTCTTTTTGAACATTCAGTGGAGACACCCCTTGTCAGAGCC[G>A]ACCCGTTTCAAGACCTTAGGTAAGAATTTTTGTTCAAATATTAACAACCTCTCCTGTAGA-3'
Protein context (NP_000222.2, residues 177-197): HSVETPLVRA[Asp187Asn]PFQDLRLESP